The following is an entry in ClinVar:

ClinVar aggregate classification (germline): Pathogenic (1 of 4 stars; one submission).

Submission:

ISCA Site 6
Classification: Pathogenic. Last evaluated: 2011-08-12. Review status: criteria provided, single submitter. Criteria: Kaminsky et al. (Genet Med. 2011). Collection method: clinical testing. Allele origin: unknown. Affected: yes. Observed: 1 variant allele.
Comment: Copy number variation identified through the course of routine clinical cytogenomic testing in postnatal populations. Clinical assertions have been curated as described in Kaminsky et al. 2011.

GRCh38/hg38 1q43-44(chr1:241676908-245647727)x1

Genes: ADSS2 (adenylosuccinate synthase 2; minus strand), AKT3 (AKT serine/threonine kinase 3; minus strand), AKT3-IT1 (AKT3 intronic transcript 1; minus strand), BECN2 (beclin 2; plus strand), C1orf202 (chromosome 1 open reading frame 202; minus strand) and 84 more. Cytogenetic location: 1q43-44.
Variant type: copy number loss.
Change: copy number 1 (one copy instead of two) of chr1:241,676,908-245,647,727 (3.97 Mb, GRCh38 coordinates, 1-based), cytogenetic band 1q43-44.
Identifiers: ClinVar variation 60153 (VCV000060153.2).